The following is an entry in ClinVar:

ClinVar aggregate classification (germline): Uncertain significance (1 of 4 stars; one submission).

Allele frequency attached by ClinVar (database versions not stated): ExAC 0.00001; gnomAD 0.00001; gnomAD exomes 0.00002 and 0.00004; TOPMed 0.00002.
gnomAD v4.1: 12 of 1,613,992 alleles (0.00074%); highest among the groups gnomAD compares: Admixed American, 0.018%; no homozygotes.

Submission:

Labcorp Genetics (formerly Invitae), Labcorp
Classification: Uncertain significance. Last evaluated: 2025-12-25. Review status: criteria provided, single submitter. Criteria: Invitae Variant Classification Sherloc (09022015). Collection method: clinical testing. Allele origin: germline.
Comment: This sequence change replaces isoleucine, which is neutral and non-polar, with valine, which is neutral and non-polar, at codon 548 of the EMC1 protein (p.Ile548Val). This variant is present in population databases (rs778474763, gnomAD 0.02%). This variant has not been reported in the literature in individuals affected with EMC1-related conditions. ClinVar contains an entry for this variant (Variation ID: 961519). Invitae Evidence Modeling of protein sequence and biophysical properties (such as structural, functional, and spatial information, amino acid conservation, physicochemical variation, residue mobility, and thermodynamic stability) indicates that this missense variant is expected to disrupt EMC1 protein function with a positive predictive value of 80%. In summary, the available evidence is currently insufficient to determine the role of this variant in disease. Therefore, it has been classified as a Variant of Uncertain Significance.

NM_015047.3(EMC1):c.1642A>G (p.Ile548Val)

Genes: EMC1 (ER membrane protein complex subunit 1; minus strand), EMC1-AS1 (EMC1 antisense RNA 1; plus strand). Cytogenetic location: 1p36.13.
Variant type: single nucleotide variant.
Coding change: c.1642A>G on transcript NM_015047.3 (MANE Select); coding-DNA position 1642, A replaced by G.
Protein change: p.Ile548Val; replaces isoleucine 548 with valine.
Molecular consequence: missense variant.
Genome position (GRCh38, 1-based): chr1:19,232,764, T>C on the plus strand (A>G on the coding strand, the complement: EMC1 is on the minus strand). VCF-style: chr1-19232764-T-C. GRCh37 (hg19) VCF-style: chr1-19559258-T-C.
Other names: c.1639A>G, p.Ile547Val (NM_001271427.2, NM_001271428.2); c.1576A>G, p.Ile526Val (NM_001271429.2); c.1651A>G, p.Ile551Val (NM_001375820.1); c.1648A>G, p.Ile550Val (NM_001375821.1); short protein forms I526V, I547V, I548V, I551V, I550V.
Identifiers: ClinVar variation 961519 (VCV000961519.6), dbSNP rs778474763, ClinGen allele CA652528.